The following is an entry in ClinVar:

ClinVar aggregate classification (germline): Uncertain significance (1 of 4 stars; one submission).

Allele frequency attached by ClinVar (database versions not stated): gnomAD exomes below 0.00001.
gnomAD v4.1: 2 of 1,614,138 alleles (0.00012%); highest among the groups gnomAD compares: Non-Finnish European, 0.00017%; no homozygotes.

Submission:

Labcorp Genetics (formerly Invitae), Labcorp
Classification: Uncertain significance. Last evaluated: 2022-07-07. Review status: criteria provided, single submitter. Criteria: Invitae Variant Classification Sherloc (09022015). Collection method: clinical testing. Allele origin: germline.
Comment: In summary, the available evidence is currently insufficient to determine the role of this variant in disease. Therefore, it has been classified as a Variant of Uncertain Significance. Algorithms developed to predict the effect of missense changes on protein structure and function are either unavailable or do not agree on the potential impact of this missense change (SIFT: "Deleterious"; PolyPhen-2: "Probably Damaging"; Align-GVGD: "Class C0"). This variant has not been reported in the literature in individuals affected with MAST1-related conditions. This variant is present in population databases (no rsID available, gnomAD 0.0009%). This sequence change replaces arginine, which is basic and polar, with leucine, which is neutral and non-polar, at codon 982 of the MAST1 protein (p.Arg982Leu).

NM_014975.3(MAST1):c.2945G>T (p.Arg982Leu)

Gene: MAST1 (microtubule associated serine/threonine kinase 1; plus strand). Cytogenetic location: 19p13.13.
Variant type: single nucleotide variant.
Coding change: c.2945G>T on transcript NM_014975.3 (MANE Select); coding-DNA position 2945, G replaced by T.
Protein change: p.Arg982Leu; replaces arginine 982 with leucine.
Molecular consequence: missense variant.
Genome position (GRCh38, 1-based): chr19:12,869,237, G>T. VCF-style: chr19-12869237-G-T. GRCh37 (hg19) VCF-style: chr19-12980051-G-T.
Other names: short protein forms R982L.
Identifiers: ClinVar variation 1996966 (VCV001996966.4), dbSNP rs1300800199, ClinGen allele CA404283851.